The following is an entry in ClinVar:

NM_001267727.2(ARSG):c.983-2_983-1del

Gene: ARSG (arylsulfatase G; plus strand). Cytogenetic location: 17q24.2.
Variant type: Deletion.
Coding change: c.983-2_983-1del on transcript NM_001267727.2 (MANE Select); the canonical splice acceptor site of the intron before coding-DNA position 983, 2 bases deleted (AG; older notation c.983-2_983-1delAG).
Molecular consequence: splice acceptor variant.
Genome position (GRCh38, 1-based): chr17:68,385,062-68,385,063, AG deleted. VCF-style (leftmost placement, unchanged base first): chr17-68385061-CAG-C. GRCh37 (hg19) VCF-style: chr17-66381202-CAG-C.
Other names: c.980-2_980-1del (NM_001352903.2, NM_001352905.2, NM_001352906.2 and 2 more transcripts); c.983-2_983-1del (NM_001352910.2, NM_001352899.2, NM_001352900.2 and 3 more transcripts); c.935-2_935-1del (NM_001352909.2).
Identifiers: ClinVar variation 1016642 (VCV001016642.10), dbSNP rs761100309, ClinGen allele CA8728440.

ClinVar aggregate classification (germline): Pathogenic/Likely pathogenic. Review status: criteria provided, multiple submitters, no conflicts (2 of 4 stars). 4 submissions from 4 submitters: Pathogenic (2); Likely pathogenic (2). Last evaluated 2025-09-17.

Conditions:
Usher syndrome, type 4. Also called: USHER SYNDROME, TYPE IV. Identifiers: MedGen C4748364, MONDO:0029141, OMIM 618144.
ARSG-related disorder. Also called: ARSG-related condition.

Allele frequency attached by ClinVar (database versions not stated): gnomAD exomes below 0.00001; ExAC 0.00001; TOPMed 0.00002; gnomAD 0.00003.

Submissions (4):

Progenie Molecular
Classification: Pathogenic for Usher syndrome, type 4. Last evaluated: 2025-09-17. Review status: criteria provided, single submitter. Criteria: ACMG Guidelines, 2015. Collection method: clinical testing. Allele origin: germline. Inheritance: Autosomal recessive inheritance. Affected: yes. Observed: 4 variant alleles, 4 homozygotes. Clinical features observed: Sensorineural hearing loss disorder (HP:0000407), Constriction of peripheral visual field (HP:0001133), Night blindness (HP:0000662).
Comment: This variant occurs in a canonical splice site expected to disrupt splicing and cause loss of function, which is a known mechanism of the disease (PVS1), the inheritance is recessive and the variant has very low frequency in controls (PM2), it is classified as pathogenic in ClinVar by a high confidence submitter (PP5) and the phenotype co-segregates with the variant in multiple affected family members (PP1).

Labcorp Genetics (formerly Invitae), Labcorp
Classification: Pathogenic. Last evaluated: 2024-10-10. Review status: criteria provided, single submitter. Criteria: Invitae Variant Classification Sherloc (09022015). Collection method: clinical testing. Allele origin: germline.
Comment: This sequence change affects a splice site in intron 8 of the ARSG gene. It is expected to disrupt RNA splicing. Variants that disrupt the donor or acceptor splice site typically lead to a loss of protein function (PMID: 16199547), and loss-of-function variants in ARSG are known to be pathogenic (PMID: 26975023, 34223797). This variant is present in population databases (rs761100309, gnomAD 0.0009%). Disruption of this splice site has been observed in individual(s) with clinical features of Usher syndrome (internal data). ClinVar contains an entry for this variant (Variation ID: 1016642). Algorithms developed to predict the effect of sequence changes on RNA splicing suggest that this variant may disrupt the consensus splice site. For these reasons, this variant has been classified as Pathogenic.

3billion
Classification: Likely pathogenic for Usher syndrome, type 4. Last evaluated: 2024-07-05. Review status: criteria provided, single submitter. Criteria: ACMG Guidelines, 2015. Collection method: clinical testing. Allele origin: germline. Affected: yes.
Comment: The variant is observed at an extremely low frequency in the gnomAD v4.0.0 dataset (total allele frequency: <0.001%). Predicted Consequence/Location: Canonical splice site: predicted to alter splicing and result in a loss or disruption of normal protein function. Multiple pathogenic loss-of-function variants are reported downstream of the variant. In silico tools predict the variant to alter splicing and produce an abnormal transcript [SpliceAI: 0.49 (spliceogenicity >=0.2, non-spliceogenicity <0.1)]. The variant has been reported to be associated with ARSG-related disorder (ClinVar ID: VCV001016642). Therefore, this variant is classified as Likely pathogenic according to the recommendation of ACMG/AMP guideline.

Blueprint Genetics
Classification: Likely pathogenic for ARSG-related disorders. Last evaluated: 2022-11-03. Review status: criteria provided, single submitter. Criteria: ACMG Guidelines, 2015. Collection method: clinical testing. Allele origin: germline. Affected: yes. Observed: 2 variant alleles.

Literature cited by the submitters: PubMed 16199547 (cited by Labcorp Genetics (formerly Invitae), Labcorp); PubMed 26975023 (cited by Labcorp Genetics (formerly Invitae), Labcorp); PubMed 34223797 (cited by Labcorp Genetics (formerly Invitae), Labcorp).